The following is an entry in ClinVar:

ClinVar aggregate classification (germline): Uncertain significance (1 of 4 stars; one submission).

Conditions:
Hereditary breast ovarian cancer syndrome. Also called: Hereditary breast and ovarian cancer syndrome; Hereditary breast and/or ovarian cancer syndrome; BRCA1- and BRCA2-Associated Hereditary Breast and Ovarian Cancer; Hereditary breast and ovarian cancer; Breast and ovarian cancer; Hereditary breast and ovarian cancer syndrome (HBOC). Identifiers: Orphanet 145, MedGen C0677776, MeSH D061325, MONDO:0003582. Disease mechanism: loss of function.

Submission:

Labcorp Genetics (formerly Invitae), Labcorp
Classification: Uncertain significance for Hereditary breast ovarian cancer syndrome. Last evaluated: 2024-09-08. Review status: criteria provided, single submitter. Criteria: Invitae Variant Classification Sherloc (09022015). Collection method: clinical testing. Allele origin: germline.
Comment: This sequence change replaces leucine, which is neutral and non-polar, with phenylalanine, which is neutral and non-polar, at codon 1209 of the BRCA1 protein (p.Leu1209Phe). This variant is not present in population databases (gnomAD no frequency). This variant has not been reported in the literature in individuals affected with BRCA1-related conditions. Invitae Evidence Modeling of protein sequence and biophysical properties (such as structural, functional, and spatial information, amino acid conservation, physicochemical variation, residue mobility, and thermodynamic stability) indicates that this missense variant is not expected to disrupt BRCA1 protein function with a negative predictive value of 95%. In summary, the available evidence is currently insufficient to determine the role of this variant in disease. Therefore, it has been classified as a Variant of Uncertain Significance.

NM_007294.4(BRCA1):c.3627A>T (p.Leu1209Phe)

Genes: BRCA1 (BRCA1 DNA repair associated; minus strand), LOC126862571 (BRD4-independent group 4 enhancer GRCh37_chr17:41243136-41244335; plus strand). Cytogenetic location: 17q21.31.
Variant type: single nucleotide variant.
Coding change: c.3627A>T on transcript NM_007294.4 (MANE Select); coding-DNA position 3627, A replaced by T.
Protein change: p.Leu1209Phe; replaces leucine 1209 with phenylalanine.
Molecular consequence: missense variant. On other transcripts: intron variant (135).
Genome position (GRCh38, 1-based): chr17:43,091,904, T>A on the plus strand (A>T on the coding strand, the complement: BRCA1 is on the minus strand). VCF-style: chr17-43091904-T-A. GRCh37 (hg19) VCF-style: chr17-41243921-T-A.
Other names: c.3363A>T, p.Leu1121Phe (NM_001407924.1, NM_001407925.1, NM_001407926.1 and 9 more transcripts); c.3414A>T, p.Leu1138Phe (NM_001407571.1, NM_001407853.1, NM_001407894.1 and 9 more transcripts); c.3627A>T, p.Leu1209Phe (NM_001407581.1, NM_001407582.1, NM_001407583.1 and 30 more transcripts); c.3624A>T, p.Leu1208Phe (NM_001407587.1, NM_001407590.1, NM_001407591.1 and 22 more transcripts); c.3618A>T, p.Leu1206Phe (NM_001407646.1, NM_001407647.1); c.3504A>T, p.Leu1168Phe (NM_001407648.1, NM_001407664.1, NM_001407665.1 and 19 more transcripts); c.3501A>T, p.Leu1167Phe (NM_001407649.1, NM_001407670.1, NM_001407671.1 and 11 more transcripts); c.3549A>T, p.Leu1183Phe (NM_001407653.1, NM_001407654.1, NM_001407655.1 and 4 more transcripts); and 41 more; short protein forms L1168F, L1183F, L1209F, L913F, L1081F, L1098F, L1138F, L1141F.
Identifiers: ClinVar variation 3706405 (VCV003706405.2).